The following is an entry in ClinVar:

NM_004656.4(BAP1):c.2056+1G>C

Gene: BAP1 (BRCA1 associated deubiquitinase 1; minus strand). Cytogenetic location: 3p21.1.
Variant type: single nucleotide variant.
Coding change: c.2056+1G>C on transcript NM_004656.4 (MANE Select); the canonical splice donor site of the intron after coding-DNA position 2056, G replaced by C.
Molecular consequence: splice donor variant.
Genome position (GRCh38, 1-based): chr3:52,402,601, C>G on the plus strand (G>C on the coding strand, the complement: BAP1 is on the minus strand). VCF-style: chr3-52402601-C-G. GRCh37 (hg19) VCF-style: chr3-52436617-C-G.
Other names: c.2002+1G>C (NM_001410772.1).
Identifiers: ClinVar variation 661302 (VCV000661302.12), dbSNP rs1578218644, ClinGen allele CA353096097.

ClinVar aggregate classification (germline): Likely pathogenic. Review status: criteria provided, multiple submitters, no conflicts (2 of 4 stars). 3 submissions from 3 submitters: Likely pathogenic (3). Last evaluated 2025-05-05.

Conditions:
Hereditary cancer-predisposing syndrome. Also called: Neoplastic Syndromes, Hereditary; Tumor predisposition; Hereditary neoplastic syndrome; Hereditary Cancer Syndrome. Identifiers: Orphanet 140162, MedGen C0027672, MeSH D009386, MONDO:0015356.
BAP1-related tumor predisposition syndrome (TPDS1). Also called: BAP1 tumor predisposition syndrome; Tumor susceptibility linked to germline BAP1 mutations; COMMON Syndrome; TUMOR PREDISPOSITION SYNDROME 1. Identifiers: Orphanet 289539, MedGen C3280492, MONDO:0013692, OMIM 614327.

Allele frequency attached by ClinVar (database versions not stated): gnomAD exomes below 0.00001.

Submissions (3):

Labcorp Genetics (formerly Invitae), Labcorp
Classification: Likely pathogenic for BAP1-related tumor predisposition syndrome. Last evaluated: 2025-05-05. Review status: criteria provided, single submitter. Criteria: Invitae Variant Classification Sherloc (09022015). Collection method: clinical testing. Allele origin: germline.
Comment: This sequence change affects a donor splice site in intron 16 of the BAP1 gene. While this variant is not anticipated to result in nonsense mediated decay, it likely alters RNA splicing and results in a disrupted protein product. This variant is not present in population databases (gnomAD no frequency). Disruption of this splice site has been observed in individuals with clinical features of BAP1 tumor predisposition syndrome (internal data). It has also been observed to segregate with disease in related individuals. ClinVar contains an entry for this variant (Variation ID: 661302). Variants that disrupt the consensus splice site are a relatively common cause of aberrant splicing (PMID: 17576681, 9536098). Algorithms developed to predict the effect of sequence changes on RNA splicing suggest that this variant may disrupt the consensus splice site. In summary, the currently available evidence indicates that the variant is pathogenic, but additional data are needed to prove that conclusively. Therefore, this variant has been classified as Likely Pathogenic.

Color Diagnostics, LLC DBA Color Health
Classification: Likely pathogenic for Hereditary cancer-predisposing syndrome. Last evaluated: 2021-05-17. Review status: criteria provided, single submitter. Criteria: ACMG Guidelines, 2015. Collection method: clinical testing. Allele origin: germline.
Comment: This variant causes a G to C nucleotide substitution at the +1 position of intron 16 of the BAP1 gene. Splice site prediction tools predict that this variant may have a significant impact on RNA splicing. The variant may result in the skipping of exon 16, creating a frameshift and premature translation stop signal, and resulting in a non-functional protein product. To our knowledge, RNA studies have not been reported for this variant. This variant has not been reported in individuals affected with hereditary cancer in the literature. This variant has not been identified in the general population by the Genome Aggregation Database (gnomAD). Loss of BAP1 function is a known mechanism of disease. Based on the available evidence, this variant is classified as Likely Pathogenic.

Ambry Genetics
Classification: Likely pathogenic for Hereditary cancer-predisposing syndrome. Last evaluated: 2020-08-12. Review status: criteria provided, single submitter. Criteria: Ambry Variant Classification Scheme 2023. Collection method: clinical testing. Allele origin: germline.
Comment: The c.2056+1G>C intronic variant results from a G to C substitution one nucleotide after coding exon 16 of the BAP1 gene. This nucleotide position is highly conserved in available vertebrate species. In silico splice site analysis predicts that this alteration will weaken the native splice donor site. Alterations that disrupt the canonical splice site are expected to cause aberrant splicing, resulting in an abnormal protein or a transcript that is subject to nonsense-mediated mRNA decay. Although the predicted transcript is not expected to undergo NMD, alterations that produce transcripts with similar predicted protein effects have been identified in families with BAP1-associated disease and have been show to segregate among the affected family members. These include BAP1 c.2050C>T (p.Q684*) which encodes an NMD-escaping transcript leading to loss of the last two amino acids of exon 16 and the entirety of exon 17 (Rai K et al. Genes Chromosomes Cancer, 2017 02;56:168-174; Testa JR et al. Nat. Genet., 2011 Aug;43:1022-5; Carbone M et al. J Transl Med, 2012 Aug;10:179; Pilarski R et al. Genes Chromosomes Cancer, 2014 Feb;53:177-82); and BAP1 c.2057-2A>G which is at the acceptor site for exon 17, which is the last exon in BAP1. It leads to intron 16 retention which subsequently encodes a premature stop codon and loss of the last coding exon of BAP1 (Wiesner T et al. Nat. Genet., 2011 Aug;43:1018-21). Based on the majority of available evidence to date, this variant is likely to be pathogenic.

Literature cited by the submitters: PubMed 17576681 (cited by Labcorp Genetics (formerly Invitae), Labcorp); PubMed 9536098 (cited by Labcorp Genetics (formerly Invitae), Labcorp); PubMed 21874000 (cited by Ambry Genetics); PubMed 21874003 (cited by Ambry Genetics); PubMed 22935333 (cited by Ambry Genetics); PubMed 23849051 (cited by Ambry Genetics); PubMed 24243779 (cited by Ambry Genetics); PubMed 27718540 (cited by Ambry Genetics).